The following is an entry in ClinVar:

ClinVar aggregate classification (germline): Likely benign (1 of 4 stars; one submission).

Allele frequency attached by ClinVar (database versions not stated): 1000 Genomes Project 30x 0.00016.

Submission:

CeGaT Center for Human Genetics Tuebingen
Classification: Likely benign. Last evaluated: 2023-06-01. Review status: criteria provided, single submitter. Criteria: CeGaT Center For Human Genetics Tuebingen Variant Classification Criteria Version 2. Collection method: clinical testing. Allele origin: germline. Affected: yes. Observed: 1 variant allele.
Comment: NBPF9: PM2:Supporting, BP4, BP7

NM_001388367.1(NBPF9):c.1068G>A (p.Gln356=)

Gene: NBPF9 (NBPF member 9; minus strand). Cytogenetic location: 1q21.2.
Variant type: single nucleotide variant.
Coding change: c.1068G>A on transcript NM_001388367.1 (MANE Select); coding-DNA position 1068, G replaced by A.
Protein change: p.Gln356=; no amino-acid change (glutamine 356 retained).
Molecular consequence: synonymous variant.
Genome position (GRCh38, 1-based): chr1:149,073,791, C>T on the plus strand (G>A on the coding strand, the complement: NBPF9 is on the minus strand). VCF-style: chr1-149073791-C-T. GRCh37 (hg19) VCF-style: chr1-144813821-G-A.
Other names: c.1068G>A, p.Gln356= (NM_001037675.4, NM_001277444.2, NM_001388366.1 and 16 more transcripts).
Identifiers: ClinVar variation 2639061 (VCV002639061.24), dbSNP rs1553653603, ClinGen allele CA2604549853.